The following is an entry in ClinVar:

NM_001379451.1(BCORL1):c.3768G>C (p.Glu1256Asp)

Gene: BCORL1 (BCL6 corepressor like 1; plus strand). Cytogenetic location: Xq26.1.
Variant type: single nucleotide variant.
Coding change: c.3768G>C on transcript NM_001379451.1 (MANE Select); coding-DNA position 3768, G replaced by C.
Protein change: p.Glu1256Asp; replaces glutamic acid 1256 with aspartic acid.
Molecular consequence: missense variant.
Genome position (GRCh38, 1-based): chrX:130,025,069, G>C. VCF-style: chrX-130025069-G-C. GRCh37 (hg19) VCF-style: chrX-129159044-G-C.
Other names: c.3768G>C, p.Glu1256Asp (NM_001184772.3, NM_001379450.1, NM_021946.5); short protein forms E1256D.
Identifiers: ClinVar variation 1677195 (VCV001677195.5), dbSNP rs1447366476, ClinGen allele CA414597729.

ClinVar aggregate classification (germline): Uncertain significance. Review status: criteria provided, multiple submitters, no conflicts (2 of 4 stars). 3 submissions from 3 submitters: Uncertain significance (2). 1 of the submissions does not count toward it. Last evaluated 2026-02-17.

Conditions:
BCORL1-related disorder. Also called: BCORL1-related condition.

Allele frequency attached by ClinVar (database versions not stated): gnomAD exomes below 0.00001 and 0.00001.

Submissions (3):

GeneDx
Classification: Uncertain significance. Last evaluated: 2026-02-17. Review status: criteria provided, single submitter. Criteria: GeneDx Variant Classification Process June 2021. Collection method: clinical testing. Allele origin: germline.
Comment: Not observed at significant frequency in large population cohorts (gnomAD); In silico analysis suggests that this missense variant does not alter protein structure/function; Has not been previously published as pathogenic or benign to our knowledge

Women's Health and Genetics/Laboratory Corporation of America, LabCorp
Classification: Uncertain significance. Last evaluated: 2025-10-27. Review status: criteria provided, single submitter. Criteria: LabCorp Variant Classification Summary - May 2015. Collection method: clinical testing. Allele origin: germline.
Comment: Variant summary: BCORL1 c.3768G>C (p.Glu1256Asp) results in a conservative amino acid change in the encoded protein sequence. Algorithms developed to predict the effect of missense changes on protein structure and function all suggest that this variant is likely to be tolerated. The variant allele was found at a frequency of 1.1e-05 in 183428 control chromosomes. The available data on variant occurrences in the general population are insufficient to allow any conclusion about variant significance. To our knowledge, no occurrence of c.3768G>C in individuals affected with BCORL1-related conditions and no experimental evidence demonstrating its impact on protein function have been reported. ClinVar contains an entry for this variant (Variation ID: 1677195). Based on the evidence outlined above, the variant was classified as uncertain significance.

PreventionGenetics, part of Exact Sciences
Classification: Uncertain significance for BCORL1-related condition. Last evaluated: 2024-01-29. Review status: no assertion criteria provided. Collection method: clinical testing. Allele origin: germline. Not counted in ClinVar's aggregate classification.
Comment: The BCORL1 c.3768G>C variant is predicted to result in the amino acid substitution p.Glu1256Asp. To our knowledge, this variant has not been reported in the literature. This variant is reported in 0.0036% of alleles in individuals of Latino descent in gnomAD. At this time, the clinical significance of this variant is uncertain due to the absence of conclusive functional and genetic evidence.